The following is an entry in ClinVar:

ClinVar aggregate classification (germline): Uncertain significance (1 of 4 stars; one submission).

gnomAD v4.1: 68 of 1,613,106 alleles (0.0042%); highest among the groups gnomAD compares: Middle Eastern, 0.033%; 1 homozygote.

Submission:

Labcorp Genetics (formerly Invitae), Labcorp
Classification: Uncertain significance. Last evaluated: 2024-02-24. Review status: criteria provided, single submitter. Criteria: Invitae Variant Classification Sherloc (09022015). Collection method: clinical testing. Allele origin: germline.
Comment: This sequence change replaces arginine, which is basic and polar, with serine, which is neutral and polar, at codon 711 of the EPS8L2 protein (p.Arg711Ser). This variant is present in population databases (rs202059125, gnomAD 0.04%). This variant has not been reported in the literature in individuals affected with EPS8L2-related conditions. ClinVar contains an entry for this variant (Variation ID: 1419882). An algorithm developed to predict the effect of missense changes on protein structure and function (PolyPhen-2) suggests that this variant is likely to be tolerated. In summary, the available evidence is currently insufficient to determine the role of this variant in disease. Therefore, it has been classified as a Variant of Uncertain Significance.

NM_022772.4(EPS8L2):c.2133G>C (p.Arg711Ser)

Gene: EPS8L2 (EPS8 signaling adaptor L2; plus strand). Cytogenetic location: 11p15.5.
Variant type: single nucleotide variant.
Coding change: c.2133G>C on transcript NM_022772.4 (MANE Select); coding-DNA position 2133, G replaced by C.
Protein change: p.Arg711Ser; replaces arginine 711 with serine.
Molecular consequence: missense variant.
Genome position (GRCh38, 1-based): chr11:726,966, G>C. VCF-style: chr11-726966-G-C. GRCh37 (hg19) VCF-style: chr11-726966-G-C.
Other names: short protein forms R711S.
Identifiers: ClinVar variation 1419882 (VCV001419882.8), dbSNP rs202059125, ClinGen allele CA5787927.
Genomic context (GRCh38, chr11:726,966, plus strand): 5'-GCAAAGTGGGTCGGAGCTGGAAGAACTCATGAACAAGTTTCATTCCATGAATCAGAGGAG[G>C]GGGGAGGACAGCTAGGCCCAGCTGCCTTGGGCTGGGGCCTGCGGAGGGGAAGCCCACCCA-3'
Protein context (NP_073609.2, residues 701-715): MNKFHSMNQR[Arg711Ser]GEDS